The following is an entry in ClinVar:

NC_000013.11:g.32315355A>G

Genes: ZAR1L (zygote arrest 1 like; minus strand), BRCA2 (BRCA2 DNA repair associated; plus strand), LOC106721785 (BRCA2 promoter/silencer region; plus strand). Cytogenetic location: 13q13.1.
Variant type: single nucleotide variant.
Molecular consequence: 5 prime UTR variant (on NM_001136571.2).
Genome position: GRCh38 VCF-style: chr13-32315355-A-G. GRCh37 (hg19) VCF-style: chr13-32889492-A-G.
Other names: c.-430T>C (NM_001136571.2).
Identifiers: ClinVar variation 2174981 (VCV002174981.1), dbSNP rs551887850, ClinGen allele CA247477962.

ClinVar aggregate classification (germline): Uncertain significance (1 of 4 stars; one submission).

Conditions:
Hereditary breast ovarian cancer syndrome. Also called: Hereditary breast and ovarian cancer syndrome; Hereditary breast and/or ovarian cancer syndrome; Hereditary breast and ovarian cancer; Hereditary breast and ovarian cancer syndrome (HBOC); Breast and ovarian cancer; BRCA1- and BRCA2-Associated Hereditary Breast and Ovarian Cancer. Identifiers: Orphanet 145, MedGen C0677776, MeSH D061325, MONDO:0003582. Disease mechanism: loss of function.

Allele frequency attached by ClinVar (database versions not stated): TOPMed below 0.00001; gnomAD 0.00003; 1000 Genomes Project 30x 0.00016; 1000 Genomes Project 0.00020.

Submission:

Labcorp Genetics (formerly Invitae), Labcorp
Classification: Uncertain significance for Hereditary breast ovarian cancer syndrome. Last evaluated: 2020-07-15. Review status: criteria provided, single submitter. Criteria: Invitae Variant Classification Sherloc (09022015). Collection method: clinical testing. Allele origin: germline.
Comment: This variant occurs in a non-coding region of the BRCA2 gene. It does not change the encoded amino acid sequence of the BRCA2 protein. The frequency data for this variant in the population databases is considered unreliable, as metrics indicate insufficient coverage at this position in the ExAC database. This variant has been observed in individual(s) with high risk for breast cancer (PMID: 29766361). This variant has been reported to have conflicting or insufficient data to determine the effect on BRCA2 protein function (PMID: 29766361). In summary, the available evidence is currently insufficient to determine the role of this variant in disease. Therefore, it has been classified as a Variant of Uncertain Significance.

Literature cited by the submitters: PubMed 29766361.